The following is an entry in ClinVar:

NM_000360.4(TH):c.104T>C (p.Ile35Thr)

Gene: TH (tyrosine hydroxylase; minus strand). Cytogenetic location: 11p15.5.
Variant type: single nucleotide variant.
Coding change: c.104T>C on transcript NM_000360.4 (MANE Select); coding-DNA position 104, T replaced by C.
Protein change: p.Ile35Thr; replaces isoleucine 35 with threonine.
Molecular consequence: missense variant.
Genome position (GRCh38, 1-based): chr11:2,169,858, A>G on the plus strand (T>C on the coding strand, the complement: TH is on the minus strand). VCF-style: chr11-2169858-A-G. GRCh37 (hg19) VCF-style: chr11-2191088-A-G.
Other names: c.197T>C, p.Ile66Thr (NM_199292.3); c.185T>C, p.Ile62Thr (NM_199293.3); c.197T>C (NM_199292.2); short protein forms I35T, I62T, I66T.
Identifiers: ClinVar variation 1210008 (VCV001210008.42), dbSNP rs747420332, ClinGen allele CA5818793.
Genomic context (GRCh38, chr11:2,169,858, plus strand): 5'-GCTGCCACCGCCGCCTCCCGCTCCTTGCGGGCGTCCTCGATGAGGCTCTGCCTGCGCCCA[A>G]TGAACCGCGGGGACTGTGGGGACAAGGGGCACCCATGCCTCCTCCACCTGCTGAGACCCG-3'
Protein context (NP_000351.2, residues 25-45): QAEAIMSPRF[Ile35Thr]GRRQSLIEDA

ClinVar aggregate classification (germline): Uncertain significance. Review status: criteria provided, multiple submitters, no conflicts (2 of 4 stars). 6 submissions from 6 submitters: Uncertain significance (4). 2 of the submissions do not count toward it. Last evaluated 2024-12-15.

Conditions:
TH-deficient dopa-responsive dystonia. Also called: Segawa syndrome, autosomal recessive; Tyrosine Hydroxylase-Deficient Dopa-Responsive Dystonia; DYT-TH. Identifiers: Orphanet 101150, MedGen C2673535, MONDO:0011551, OMIM 605407.
Inborn genetic diseases. Identifiers: MedGen C0950123, MeSH D030342.

Allele frequency attached by ClinVar (database versions not stated): ExAC 0.00004; gnomAD exomes 0.00004 and 0.00005; gnomAD 0.00005 and 0.00006; TOPMed 0.00012.
gnomAD v4.1: 79 of 1,609,678 alleles (0.0049%); highest among the groups gnomAD compares: Admixed American, 0.02%; no homozygotes.

Submissions (6):

Labcorp Genetics (formerly Invitae), Labcorp
Classification: Uncertain significance for TH-deficient dopa-responsive dystonia. Last evaluated: 2024-12-15. Review status: criteria provided, single submitter. Criteria: Invitae Variant Classification Sherloc (09022015). Collection method: clinical testing. Allele origin: germline.
Comment: This sequence change replaces isoleucine, which is neutral and non-polar, with threonine, which is neutral and polar, at codon 66 of the TH protein (p.Ile66Thr). This variant is present in population databases (rs747420332, gnomAD 0.03%). This variant has not been reported in the literature in individuals affected with TH-related conditions. ClinVar contains an entry for this variant (Variation ID: 1210008). Invitae Evidence Modeling of protein sequence and biophysical properties (such as structural, functional, and spatial information, amino acid conservation, physicochemical variation, residue mobility, and thermodynamic stability) has been performed for this missense variant. However, the output from this modeling did not meet the statistical confidence thresholds required to predict the impact of this variant on TH protein function. In summary, the available evidence is currently insufficient to determine the role of this variant in disease. Therefore, it has been classified as a Variant of Uncertain Significance.

Ambry Genetics
Classification: Uncertain significance for Inborn genetic diseases. Last evaluated: 2024-03-01. Review status: criteria provided, single submitter. Criteria: Ambry Variant Classification Scheme 2023. Collection method: clinical testing. Allele origin: germline.

CeGaT Center for Human Genetics Tuebingen
Classification: Uncertain significance. Last evaluated: 2021-09-01. Review status: criteria provided, single submitter. Criteria: CeGaT Center For Human Genetics Tuebingen Variant Classification Criteria Version 2. Collection method: clinical testing. Allele origin: germline. Affected: yes. Observed: 1 variant allele.

Fulgent Genetics
Classification: Uncertain significance for TH-deficient dopa-responsive dystonia. Last evaluated: 2021-07-27. Review status: criteria provided, single submitter. Criteria: ACMG Guidelines, 2015. Collection method: clinical testing. Allele origin: unknown.

Clinical Genetics DNA and cytogenetics Diagnostics Lab, Erasmus MC, Erasmus Medical Center
Classification: Likely benign. Review status: no assertion criteria provided. Collection method: clinical testing. Allele origin: germline. Affected: yes. Study: VKGL Data-share Consensus. Not counted in ClinVar's aggregate classification.

Genome Diagnostics Laboratory, Amsterdam University Medical Center
Classification: Likely benign. Review status: no assertion criteria provided. Collection method: clinical testing. Allele origin: germline. Affected: yes. Study: VKGL Data-share Consensus. Not counted in ClinVar's aggregate classification.